The following is an entry in ClinVar:

NM_001849.4(COL6A2):c.1286C>T (p.Pro429Leu)

Gene: COL6A2 (collagen type VI alpha 2 chain; plus strand). Cytogenetic location: 21q22.3.
Variant type: single nucleotide variant.
Coding change: c.1286C>T on transcript NM_001849.4 (MANE Select); coding-DNA position 1286, C replaced by T.
Protein change: p.Pro429Leu; replaces proline 429 with leucine.
Molecular consequence: missense variant.
Genome position (GRCh38, 1-based): chr21:46,119,804, C>T. VCF-style: chr21-46119804-C-T. GRCh37 (hg19) VCF-style: chr21-47539718-C-T.
Other names: c.1286C>T, p.Pro429Leu (NM_058174.3, NM_058175.3); short protein forms P429L.
Identifiers: ClinVar variation 2146746 (VCV002146746.4), dbSNP rs866137085, ClinGen allele CA410530336.

ClinVar aggregate classification (germline): Uncertain significance (1 of 4 stars; one submission).

Conditions:
Bethlem myopathy 1A. Also called: Bethlem Muscular Dystrophy; Bethlem myopathy 1; MYOPATHY, BENIGN CONGENITAL, WITH CONTRACTURES. Identifiers: Orphanet 610, MedGen CN029274, MONDO:0024530, OMIM 158810.

Allele frequency attached by ClinVar (database versions not stated): gnomAD exomes below 0.00001.
gnomAD v4.1: 1 of 1,564,124 alleles (0.000064%); highest among the groups gnomAD compares: Non-Finnish European, 0.000087%; no homozygotes.

Submission:

Labcorp Genetics (formerly Invitae), Labcorp
Classification: Uncertain significance for Bethlem myopathy 1A. Last evaluated: 2023-05-12. Review status: criteria provided, single submitter. Criteria: Invitae Variant Classification Sherloc (09022015). Collection method: clinical testing. Allele origin: germline.
Comment: This sequence change replaces proline, which is neutral and non-polar, with leucine, which is neutral and non-polar, at codon 429 of the COL6A2 protein (p.Pro429Leu). This variant is not present in population databases (gnomAD no frequency). ClinVar contains an entry for this variant (Variation ID: 2146746). Advanced modeling of protein sequence and biophysical properties (such as structural, functional, and spatial information, amino acid conservation, physicochemical variation, residue mobility, and thermodynamic stability) performed at Invitae indicates that this missense variant is not expected to disrupt COL6A2 protein function. In summary, the available evidence is currently insufficient to determine the role of this variant in disease. Therefore, it has been classified as a Variant of Uncertain Significance. This variant has not been reported in the literature in individuals affected with COL6A2-related conditions.